The following is an entry in ClinVar:

NM_017875.4(SLC25A38):c.209T>C (p.Met70Thr)

Gene: SLC25A38 (solute carrier family 25 member 38; plus strand). Cytogenetic location: 3p22.1.
Variant type: single nucleotide variant.
Coding change: c.209T>C on transcript NM_017875.4 (MANE Select); coding-DNA position 209, T replaced by C.
Protein change: p.Met70Thr; replaces methionine 70 with threonine.
Molecular consequence: missense variant.
Genome position (GRCh38, 1-based): chr3:39,390,440, T>C. VCF-style: chr3-39390440-T-C. GRCh37 (hg19) VCF-style: chr3-39431931-T-C.
Other names: c.209T>C, p.Met70Thr (NM_001354798.2); short protein forms M70T.
Identifiers: ClinVar variation 4087821 (VCV004087821.1).
Genomic context (GRCh38, chr3:39,390,440, plus strand): 5'-TAAGTGATTTTTTCCTTCCTGTCTCCATTTTGTCTGCTTTCAGGTCTAGACGTGTTGGGA[T>C]GTTGGCTGTACTCTTGAAGGTGGTTCGCACGGAGAGTCTTTTGGGCCTTTGGAAAGGGAT-3'
Protein context (NP_060345.2, residues 60-80): PSDHGSRRVG[Met70Thr]LAVLLKVVRT

ClinVar aggregate classification (germline): Uncertain significance (1 of 4 stars; one submission).

Submission:

GeneDx
Classification: Uncertain significance. Last evaluated: 2025-03-23. Review status: criteria provided, single submitter. Criteria: GeneDx Variant Classification Process June 2021. Collection method: clinical testing. Allele origin: germline. Affected: yes.
Comment: Not observed at significant frequency in large population cohorts (gnomAD); In silico analysis supports that this missense variant has a deleterious effect on protein structure/function; Has not been previously published as pathogenic or benign to our knowledge